The following is an entry in ClinVar:

ClinVar aggregate classification (germline): Uncertain significance (1 of 4 stars; one submission).

Conditions:
Familial thoracic aortic aneurysm and aortic dissection (TAAD). Also called: Thoracic aortic aneurysms and dissections. Identifiers: Orphanet 91387, MedGen C4707243, MONDO:0019625.

Submission:

Color Diagnostics, LLC DBA Color Health
Classification: Uncertain significance for Familial thoracic aortic aneurysm and aortic dissection. Last evaluated: 2024-12-10. Review status: criteria provided, single submitter. Criteria: ACMG Guidelines, 2015. Collection method: clinical testing. Allele origin: germline.
Comment: This missense variant replaces lysine with arginine at codon 1338 of the MYH11 protein. Computational prediction is inconclusive regarding the impact of this variant on protein structure and function (internally defined REVEL score threshold 0.5 < inconclusive < 0.7, PMID: 27666373). To our knowledge, functional studies have not been reported for this variant. This variant has not been reported in individuals affected with MYH11-related disorders in the literature. This variant has not been identified in the general population by the Genome Aggregation Database (gnomAD). The available evidence is insufficient to determine the role of this variant in disease conclusively. Therefore, this variant is classified as a Variant of Uncertain Significance.

NM_002474.3(MYH11):c.3992A>G (p.Lys1331Arg)

Genes: MYH11 (myosin heavy chain 11; minus strand), NDE1 (nudE neurodevelopment protein 1; plus strand). Cytogenetic location: 16p13.11.
Variant type: single nucleotide variant.
Coding change: c.3992A>G on transcript NM_002474.3 (MANE Select); coding-DNA position 3992, A replaced by G.
Protein change: p.Lys1331Arg; replaces lysine 1331 with arginine.
Molecular consequence: missense variant. On other transcripts: 3 prime UTR variant (2).
Genome position (GRCh38, 1-based): chr16:15,724,771, T>C on the plus strand (A>G on the coding strand, the complement: MYH11 is on the minus strand). VCF-style: chr16-15724771-T-C. GRCh37 (hg19) VCF-style: chr16-15818628-T-C.
Other names: c.4013A>G, p.Lys1338Arg (NM_001040113.2, NM_001040114.2); c.3992A>G, p.Lys1331Arg (NM_022844.3); c.*520T>C (NM_001143979.2, NM_017668.3); short protein forms K1331R, K1338R.
Identifiers: ClinVar variation 3893874 (VCV003893874.1).